The following is an entry in ClinVar:

ClinVar aggregate classification (germline): Uncertain significance (1 of 4 stars; one submission).

Conditions:
FG syndrome (FGS). Identifiers: MedGen C0220769, MONDO:0002010.

Submission:

Labcorp Genetics (formerly Invitae), Labcorp
Classification: Uncertain significance for FG syndrome. Last evaluated: 2021-08-03. Review status: criteria provided, single submitter. Criteria: Invitae Variant Classification Sherloc (09022015). Collection method: clinical testing. Allele origin: germline.
Comment: In summary, the available evidence is currently insufficient to determine the role of this variant in disease. Therefore, it has been classified as a Variant of Uncertain Significance. Algorithms developed to predict the effect of missense changes on protein structure and function (SIFT, PolyPhen-2, Align-GVGD) all suggest that this variant is likely to be disruptive. This variant has not been reported in the literature in individuals affected with MED12-related conditions. This variant is not present in population databases (ExAC no frequency). This sequence change replaces aspartic acid with tyrosine at codon 766 of the MED12 protein (p.Asp766Tyr). The aspartic acid residue is highly conserved and there is a large physicochemical difference between aspartic acid and tyrosine.

NM_005120.3(MED12):c.2296G>T (p.Asp766Tyr)

Gene: MED12 (mediator complex subunit 12; plus strand). Cytogenetic location: Xq13.1.
Variant type: single nucleotide variant.
Coding change: c.2296G>T on transcript NM_005120.3 (MANE Select); coding-DNA position 2296, G replaced by T.
Protein change: p.Asp766Tyr; replaces aspartic acid 766 with tyrosine.
Molecular consequence: missense variant.
Genome position (GRCh38, 1-based): chrX:71,125,420, G>T. VCF-style: chrX-71125420-G-T. GRCh37 (hg19) VCF-style: chrX-70345270-G-T.
Other names: short protein forms D766Y.
Identifiers: ClinVar variation 1490455 (VCV001490455.6), dbSNP rs2147792986, ClinGen allele CA413511940.